The following is an entry in ClinVar:

ClinVar aggregate classification (germline): Likely benign (1 of 4 stars; one submission).

Conditions:
Xeroderma pigmentosum, group F (XPF). Also called: XERODERMA PIGMENTOSUM, COMPLEMENTATION GROUP F; XERODERMA PIGMENTOSUM VI; XP, GROUP F; ERCC4-Related Xeroderma Pigmentosum; XERODERMA PIGMENTOSUM, TYPE F; Xeroderma pigmentosum, type 6. Identifiers: MedGen C0268140, MONDO:0010215, OMIM 278760.

Allele frequency attached by ClinVar (database versions not stated): 1000 Genomes Project 0.00240; 1000 Genomes Project 30x 0.00265; TOPMed 0.00513; gnomAD 0.00520 and 0.00526; gnomAD exomes 0.00717.
gnomAD v4.1: 1,364 of 233,898 alleles (0.58%); highest among the groups gnomAD compares: Non-Finnish European, 0.97%; 7 homozygotes.

Submission:

Illumina Laboratory Services, Illumina
Classification: Likely benign for Xeroderma pigmentosum, group F. Last evaluated: 2018-01-13. Review status: criteria provided, single submitter. Criteria: ICSL Variant Classification Criteria 13 December 2019. Collection method: clinical testing. Allele origin: germline.
Comment: This variant was observed in the ICSL laboratory as part of a predisposition screen in an ostensibly healthy population. It had not been previously curated by ICSL or reported in the Human Gene Mutation Database (HGMD: prior to June 1st, 2018), and was therefore a candidate for classification through an automated scoring system. Utilizing variant allele frequency, disease prevalence and penetrance estimates, and inheritance mode, an automated score was calculated to assess if this variant is too frequent to cause the disease. Based on the score and internal cut-off values, a variant classified as likely benign is not then subjected to further curation. The score for this variant resulted in a classification of likely benign for this disease.

NM_005236.3(ERCC4):c.*947T>C

Gene: ERCC4 (ERCC excision repair 4, endonuclease catalytic subunit; plus strand). Cytogenetic location: 16p13.12.
Variant type: single nucleotide variant.
Coding change: c.*947T>C on transcript NM_005236.3 (MANE Select); 947 bases downstream of the stop codon, T replaced by C.
Molecular consequence: 3 prime UTR variant.
Genome position (GRCh38, 1-based): chr16:13,949,294, T>C. VCF-style: chr16-13949294-T-C. GRCh37 (hg19) VCF-style: chr16-14043151-T-C.
Identifiers: ClinVar variation 317840 (VCV000317840.5), dbSNP rs117293226, ClinGen allele CA10637067.